The following is an entry in ClinVar:

ClinVar aggregate classification (germline): Uncertain significance. Review status: criteria provided, multiple submitters, no conflicts (2 of 4 stars). 3 submissions from 3 submitters: Uncertain significance (3). Last evaluated 2023-05-25.

Conditions:
Apparent mineralocorticoid excess (AME). Also called: CORTISOL 11-BETA-KETOREDUCTASE DEFICIENCY. Identifiers: Orphanet 320, MedGen C0342488, MONDO:0009025, OMIM 218030.

Allele frequency attached by ClinVar (database versions not stated): ESP Exome Variant Server 0.00015; gnomAD 0.00017 and 0.00019; gnomAD exomes 0.00020; TOPMed 0.00021; ExAC 0.00022; 1000 Genomes Project 30x 0.00031; 1000 Genomes Project 0.00040.

Submissions (3):

Women's Health and Genetics/Laboratory Corporation of America, LabCorp
Classification: Uncertain significance. Last evaluated: 2023-05-25. Review status: criteria provided, single submitter. Criteria: LabCorp Variant Classification Summary - May 2015. Collection method: clinical testing. Allele origin: germline.
Comment: Variant summary: HSD11B2 c.440G>A (p.Arg147His) results in a non-conservative amino acid change in the encoded protein sequence. Four of five in-silico tools predict a benign effect of the variant on protein function. The variant allele was found at a frequency of 0.0002 in 250992 control chromosomes (gnomAD). This frequency is not significantly higher than estimated for a pathogenic variant in HSD11B2 causing Apparent Mineralocorticoid Excess (0.0002 vs 0.0035), allowing no conclusion about variant significance. c.440G>A has been reported in the literature in individuals affected with hypertension without strong evidence of causality and at a similar frequency as the general population (Kamide_2006). This report does not provide unequivocal conclusions about association of the variant with Apparent Mineralocorticoid Excess. To our knowledge, no experimental evidence demonstrating an impact on protein function has been reported. The following publication has been ascertained in the context of this evaluation (PMID: 16778331). Two clinical diagnostic laboratories have submitted clinical-significance assessments for this variant to ClinVar after 2014, and classified the variant as uncertain significance. Based on the evidence outlined above, the variant was classified as uncertain significance.

Fulgent Genetics
Classification: Uncertain significance for Apparent mineralocorticoid excess. Last evaluated: 2022-02-03. Review status: criteria provided, single submitter. Criteria: ACMG Guidelines, 2015. Collection method: clinical testing. Allele origin: unknown.

Athena Diagnostics
Classification: Uncertain significance. Last evaluated: 2016-09-26. Review status: criteria provided, single submitter. Criteria: Athena Diagnostics Criteria. Collection method: clinical testing. Allele origin: germline.

Literature cited by the submitters: PubMed 16778331 (cited by Women's Health and Genetics/Laboratory Corporation of America, LabCorp and Athena Diagnostics); PubMed 20571110 (cited by Athena Diagnostics).

NM_000196.4(HSD11B2):c.440G>A (p.Arg147His)

Gene: HSD11B2 (hydroxysteroid 11-beta dehydrogenase 2; plus strand). Cytogenetic location: 16q22.1.
Variant type: single nucleotide variant.
Coding change: c.440G>A on transcript NM_000196.4 (MANE Select); coding-DNA position 440, G replaced by A.
Protein change: p.Arg147His; replaces arginine 147 with histidine.
Molecular consequence: missense variant.
Genome position (GRCh38, 1-based): chr16:67,435,802, G>A. VCF-style: chr16-67435802-G-A. GRCh37 (hg19) VCF-style: chr16-67469705-G-A.
Other names: short protein forms R147H.
Identifiers: ClinVar variation 447526 (VCV000447526.3), dbSNP rs13306425, ClinGen allele CA8110617.
Genomic context (GRCh38, chr16:67,435,802, plus strand): 5'-GCTGCTCCCCTCGCCTAAGGCTGCTGCAGATGGACCTGACCAAACCAGGAGACATTAGCC[G>A]CGTGCTAGAGTTCACCAAGGCCCACACCACCAGCACCGGTCAGTGGCAAGTGTCCACCAG-3'
Protein context (NP_000187.3, residues 137-157): MDLTKPGDIS[Arg147His]VLEFTKAHTT